The following is an entry in ClinVar:

ClinVar aggregate classification (germline): Likely benign. Review status: criteria provided, multiple submitters, no conflicts (2 of 4 stars). 2 submissions from 2 submitters: Likely benign (2). Last evaluated 2018-06-16.

Allele frequency attached by ClinVar (database versions not stated): 1000 Genomes Project 30x 0.02795; 1000 Genomes Project 0.02895; gnomAD exomes 0.03333; TOPMed 0.03366; gnomAD 0.03404 and 0.03465.
gnomAD v4.1: 36,738 of 1,093,340 alleles (3.4%); highest among the groups gnomAD compares: South Asian, 6.1%; 969 homozygotes.

Submissions (2):

GeneDx
Classification: Likely benign. Last evaluated: 2018-06-16. Review status: criteria provided, single submitter. Criteria: GeneDx Variant Classification (06012015). Collection method: clinical testing. Allele origin: germline. Affected: yes.
Comment: This variant is considered likely benign or benign based on one or more of the following criteria: it is a conservative change, it occurs at a poorly conserved position in the protein, it is predicted to be benign by multiple in silico algorithms, and/or has population frequency not consistent with disease.

Breakthrough Genomics
Classification: Likely benign. Review status: criteria provided, single submitter. Criteria: ACMG Guidelines, 2015. Collection method: not provided. Allele origin: germline. Inheritance: Autosomal recessive inheritance. Affected: yes.

NM_004817.4(TJP2):c.1780+78G>C

Gene: TJP2 (tight junction protein 2; plus strand). Cytogenetic location: 9q21.11.
Variant type: single nucleotide variant.
Coding change: c.1780+78G>C on transcript NM_004817.4 (MANE Select); 78 bases into the intron after coding-DNA position 1780, G replaced by C.
Molecular consequence: intron variant.
Genome position (GRCh38, 1-based): chr9:69,234,625, G>C. VCF-style: chr9-69234625-G-C. GRCh37 (hg19) VCF-style: chr9-71849541-G-C.
Other names: c.1711+78G>C (NM_001170414.2, NM_001369871.1); c.1705+78G>C (NM_001369870.1); c.1780+78G>C (NM_201629.3, NM_001369872.1, NM_001369873.1); c.1792+78G>C (NM_001170415.1, NM_001369875.1, NM_001369874.1); c.1873+78G>C (NM_001170416.2).
Identifiers: ClinVar variation 682741 (VCV000682741.2), dbSNP rs78326540, ClinGen allele CA13011959.